The following is an entry in ClinVar:

ClinVar aggregate classification (germline): Uncertain significance (1 of 4 stars; one submission).

Conditions:
DISP1-related disorder. Also called: DISP1-related condition.

gnomAD v4.1: 1 of 1,614,160 alleles (0.000062%); highest among the groups gnomAD compares: Non-Finnish European, 0.000085%; no homozygotes.

Submission:

PreventionGenetics, part of Exact Sciences
Classification: Uncertain significance for DISP1-related condition. Last evaluated: 2023-01-12. Review status: criteria provided, single submitter. Criteria: ACMG Guidelines, 2015. Collection method: clinical testing. Allele origin: germline.
Comment: The DISP1 c.2107C>T variant is predicted to result in premature protein termination (p.Arg703*). To our knowledge, this variant has not been reported in the literature or in a large population database, indicating this variant is rare. Nonsense and other loss-of-function variants in DISP1 are not yet a well established mechanism of disease. Therefore, although we suspect that this variant may be pathogenic, at this time, the clinical significance of this variant is uncertain due to the absence of conclusive functional and genetic evidence.

NM_001377229.1(DISP1):c.2107C>T (p.Arg703Ter)

Gene: DISP1 (dispatched RND transporter family member 1; plus strand). Cytogenetic location: 1q41.
Variant type: single nucleotide variant.
Coding change: c.2107C>T on transcript NM_001377229.1 (MANE Select); coding-DNA position 2107, C replaced by T.
Protein change: p.Arg703Ter; replaces arginine 703 with a stop codon.
Molecular consequence: nonsense.
Genome position (GRCh38, 1-based): chr1:223,003,504, C>T. VCF-style: chr1-223003504-C-T. GRCh37 (hg19) VCF-style: chr1-223176846-C-T.
Other names: c.1378C>T, p.Arg460Ter (NM_001350630.2); c.2107C>T, p.Arg703Ter (NM_001369594.1, NM_001377228.1, NM_032890.5); short protein forms R460*, R703*.
Identifiers: ClinVar variation 2629672 (VCV002629672.1), dbSNP rs1163812623, ClinGen allele CA344680687.